The following is an entry in ClinVar:

NM_153365.3(TAPT1):c.613-6_613-3del

Gene: TAPT1 (transmembrane anterior posterior transformation 1; minus strand). Cytogenetic location: 4p15.32.
Variant type: Deletion.
Coding change: c.613-6_613-3del on transcript NM_153365.3 (MANE Select); 6 bases into the intron before coding-DNA position 613 through 3 bases into the intron before coding-DNA position 613, 4 bases deleted (TTTT; older notation c.613-6_613-3delTTTT).
Molecular consequence: intron variant.
Genome position (GRCh38, 1-based): chr4:16,188,358-16,188,361, AAAA deleted on the plus strand (TTTT on the coding strand, the reverse complement: TAPT1 is on the minus strand); deleting any 4 consecutive bases within chr4:16,188,358-16,188,368 gives the same sequence; the c. name uses the placement nearest the transcript's 3' end. VCF-style (leftmost placement, unchanged base first): chr4-16188357-TAAAA-T. GRCh37 (hg19) VCF-style: chr4-16189980-TAAAA-T.
Identifiers: ClinVar variation 1473490 (VCV001473490.5), dbSNP rs749331833, ClinGen allele CA2867491.

ClinVar aggregate classification (germline): Uncertain significance (1 of 4 stars; one submission).

Submission:

Labcorp Genetics (formerly Invitae), Labcorp
Classification: Uncertain significance. Last evaluated: 2021-08-31. Review status: criteria provided, single submitter. Criteria: Invitae Variant Classification Sherloc (09022015). Collection method: clinical testing. Allele origin: germline.
Comment: This sequence change falls in intron 4 of the TAPT1 gene. It does not directly change the encoded amino acid sequence of the TAPT1 protein. This variant is present in population databases (rs771217605, ExAC 0.002%). This variant has not been reported in the literature in individuals affected with TAPT1-related conditions. Algorithms developed to predict the effect of sequence changes on RNA splicing suggest that this variant may disrupt the consensus splice site. In summary, the available evidence is currently insufficient to determine the role of this variant in disease. Therefore, it has been classified as a Variant of Uncertain Significance.